The following is an entry in ClinVar:

NM_001122681.2(SH3BP2):c.817A>G (p.Thr273Ala)

Gene: SH3BP2 (SH3 domain binding protein 2; plus strand). Cytogenetic location: 4p16.3.
Variant type: single nucleotide variant.
Coding change: c.817A>G on transcript NM_001122681.2 (MANE Select); coding-DNA position 817, A replaced by G.
Protein change: p.Thr273Ala; replaces threonine 273 with alanine.
Molecular consequence: missense variant.
Genome position (GRCh38, 1-based): chr4:2,829,723, A>G. VCF-style: chr4-2829723-A-G. GRCh37 (hg19) VCF-style: chr4-2831450-A-G.
Other names: c.901A>G, p.Thr301Ala (NM_001145855.2); c.988A>G, p.Thr330Ala (NM_001145856.2); c.817A>G, p.Thr273Ala (NM_003023.4); short protein forms T330A, T273A, T301A.
Identifiers: ClinVar variation 960852 (VCV000960852.7), dbSNP rs373481284, ClinGen allele CA2819323.

ClinVar aggregate classification (germline): Conflicting classifications of pathogenicity. Review status: criteria provided, conflicting classifications (1 of 4 stars). 2 submissions from 2 submitters: Uncertain significance (1); Likely benign (1). Last evaluated 2025-11-08.

Conditions:
Fibrous dysplasia of jaw (CRBM). Also called: Cherubism. Identifiers: Orphanet 184, MedGen C0008029, MONDO:0007315, OMIM 118400.

Allele frequency attached by ClinVar (database versions not stated): TOPMed 0.00003; gnomAD exomes 0.00004 and 0.00010; ESP Exome Variant Server 0.00008; gnomAD 0.00009 and 0.00010; ExAC 0.00013.

Submissions (2):

Labcorp Genetics (formerly Invitae), Labcorp
Classification: Uncertain significance for Fibrous dysplasia of jaw. Last evaluated: 2025-11-08. Review status: criteria provided, single submitter. Criteria: Invitae Variant Classification Sherloc (09022015). Collection method: clinical testing. Allele origin: germline.
Comment: This sequence change replaces threonine, which is neutral and polar, with alanine, which is neutral and non-polar, at codon 273 of the SH3BP2 protein (p.Thr273Ala). This variant is present in population databases (rs373481284, gnomAD 0.04%), and has an allele count higher than expected for a pathogenic variant. This variant has not been reported in the literature in individuals affected with SH3BP2-related conditions. ClinVar contains an entry for this variant (Variation ID: 960852). Invitae Evidence Modeling of protein sequence and biophysical properties (such as structural, functional, and spatial information, amino acid conservation, physicochemical variation, residue mobility, and thermodynamic stability) indicates that this missense variant is not expected to disrupt SH3BP2 protein function with a negative predictive value of 80%. In summary, the available evidence is currently insufficient to determine the role of this variant in disease. Therefore, it has been classified as a Variant of Uncertain Significance.

Blueprint Genetics
Classification: Likely benign. Last evaluated: 2024-10-11. Review status: criteria provided, single submitter. Criteria: ACMG Guidelines, 2015. Collection method: clinical testing. Allele origin: germline.